The following is an entry in ClinVar:

ClinVar aggregate classification (germline): Conflicting classifications of pathogenicity. Review status: criteria provided, conflicting classifications (1 of 4 stars). 3 submissions from 3 submitters: Uncertain significance (2); Likely benign (1). Last evaluated 2025-12-04.

Conditions:
Spastic paraplegia. Identifiers: MedGen C0037772, HP:0001258.
Hereditary spastic paraplegia 33. Also called: SPASTIC PARAPLEGIA 33, AUTOSOMAL DOMINANT. Identifiers: MedGen C1853251, MONDO:0012448, OMIM 610244.

Allele frequency attached by ClinVar (database versions not stated): gnomAD exomes below 0.00001 and 0.00002; TOPMed 0.00001; gnomAD 0.00002.
gnomAD v4.1: 27 of 1,611,716 alleles (0.0017%); highest among the groups gnomAD compares: Non-Finnish European, 0.0022%; no homozygotes.

Submissions (3):

Ambry Genetics
Classification: Likely benign. Last evaluated: 2025-12-04. Review status: criteria provided, single submitter. Criteria: Ambry Variant Classification Scheme 2023. Collection method: clinical testing. Allele origin: germline.

Labcorp Genetics (formerly Invitae), Labcorp
Classification: Uncertain significance for Spastic paraplegia. Last evaluated: 2025-11-26. Review status: criteria provided, single submitter. Criteria: Invitae Variant Classification Sherloc (09022015). Collection method: clinical testing. Allele origin: germline.
Comment: This sequence change replaces alanine, which is neutral and non-polar, with threonine, which is neutral and polar, at codon 310 of the ZFYVE27 protein (p.Ala310Thr). The frequency data for this variant in the population databases is considered unreliable, as metrics indicate poor data quality at this position in the gnomAD database. This variant has not been reported in the literature in individuals affected with ZFYVE27-related conditions. ClinVar contains an entry for this variant (Variation ID: 880087). An algorithm developed to predict the effect of missense changes on protein structure and function outputs the following: PolyPhen-2: "Benign". The threonine amino acid residue is found in multiple mammalian species, which suggests that this missense change does not adversely affect protein function. In summary, the available evidence is currently insufficient to determine the role of this variant in disease. Therefore, it has been classified as a Variant of Uncertain Significance.

Illumina Laboratory Services, Illumina
Classification: Uncertain significance for Hereditary spastic paraplegia 33. Last evaluated: 2018-01-13. Review status: criteria provided, single submitter. Criteria: ICSL Variant Classification Criteria 13 December 2019. Collection method: clinical testing. Allele origin: germline.

NM_001385875.1(ZFYVE27):c.913G>A (p.Ala305Thr)

Gene: ZFYVE27 (zinc finger FYVE-type containing 27; plus strand). Cytogenetic location: 10q24.2.
Variant type: single nucleotide variant.
Coding change: c.913G>A on transcript NM_001385875.1 (MANE Select); coding-DNA position 913, G replaced by A.
Protein change: p.Ala305Thr; replaces alanine 305 with threonine.
Molecular consequence: missense variant. On other transcripts: non-coding transcript variant (17).
Genome position (GRCh38, 1-based): chr10:97,753,053, G>A. VCF-style: chr10-97753053-G-A. GRCh37 (hg19) VCF-style: chr10-99512810-G-A.
Other names: c.928G>A, p.Ala310Thr (NM_001002261.4, NM_001385871.1); c.892G>A, p.Ala298Thr (NM_001002262.4, NM_001385880.1, NM_001385881.1 and 2 more transcripts); c.796G>A, p.Ala266Thr (NM_001174119.2, NM_001385889.1); c.634G>A, p.Ala212Thr (NM_001174120.2); c.613G>A, p.Ala205Thr (NM_001174121.2, NM_001385915.1); c.538G>A, p.Ala180Thr (NM_001174122.2); c.946G>A, p.Ala316Thr (NM_001385876.1); c.910G>A, p.Ala304Thr (NM_001385877.1); and 14 more; short protein forms A298T, A310T, A205T, A212T, A305T, A180T, A266T, A187T.
Identifiers: ClinVar variation 880087 (VCV000880087.10), dbSNP rs1405750745, ClinGen allele CA377997970.